The following is an entry in ClinVar:

NM_004304.5(ALK):c.2759G>A (p.Gly920Asp)

Gene: ALK (ALK receptor tyrosine kinase; minus strand). Cytogenetic location: 2p23.2.
Variant type: single nucleotide variant.
Coding change: c.2759G>A on transcript NM_004304.5 (MANE Select); coding-DNA position 2759, G replaced by A.
Protein change: p.Gly920Asp; replaces glycine 920 with aspartic acid.
Molecular consequence: missense variant.
Genome position (GRCh38, 1-based): chr2:29,228,940, C>T on the plus strand (G>A on the coding strand, the complement: ALK is on the minus strand). VCF-style: chr2-29228940-C-T. GRCh37 (hg19) VCF-style: chr2-29451806-C-T.
Other names: short protein forms G920D.
Identifiers: ClinVar variation 470804 (VCV000470804.16), dbSNP rs746643773, ClinGen allele CA1594208.
Genomic context (GRCh38, chr2:29,228,940, plus strand): 5'-TTACCTATATATCCTCCGCCTCCTCCACCTGAGGAGCACCCCCCTCCACCCCCTCCGAAA[C>T]CCCCTCTTGTCTCCCACCCCCACTTCTTCATGGCCTGGGGGCAGGAATGTCCTCCGGTGG-3'
Protein context (NP_004295.2, residues 910-930): MKKWGWETRG[Gly920Asp]FGGGGGGCSS

ClinVar aggregate classification (germline): Conflicting classifications of pathogenicity. Review status: criteria provided, conflicting classifications (1 of 4 stars). 4 submissions from 4 submitters: Uncertain significance (3); Likely benign (1). Last evaluated 2026-04-16.

Conditions:
Hereditary cancer-predisposing syndrome. Also called: Tumor predisposition; Hereditary neoplastic syndrome; Neoplastic Syndromes, Hereditary; Hereditary Cancer Syndrome. Identifiers: Orphanet 140162, MedGen C0027672, MeSH D009386, MONDO:0015356.
Neuroblastoma, susceptibility to, 3. Also called: ALK-Related Neuroblastic Tumor Susceptibility. Identifiers: Orphanet 635, MedGen C2751681, MONDO:0013083, OMIM 613014.

Allele frequency attached by ClinVar (database versions not stated): gnomAD 0.00003 and 0.00004; gnomAD exomes 0.00001 and 0.00002; ExAC 0.00001; TOPMed 0.00002.
gnomAD v4.1: 15 of 841,172 alleles (0.0018%); highest among the groups gnomAD compares: Non-Finnish European, 0.0026%; no homozygotes.

Submissions (4):

Ambry Genetics
Classification: Likely benign for Hereditary cancer-predisposing syndrome. Last evaluated: 2026-04-16. Review status: criteria provided, single submitter. Criteria: Ambry Variant Classification Scheme 2023. Collection method: clinical testing. Allele origin: germline.

Labcorp Genetics (formerly Invitae), Labcorp
Classification: Uncertain significance for Neuroblastoma, susceptibility to, 3. Last evaluated: 2025-12-24. Review status: criteria provided, single submitter. Criteria: Invitae Variant Classification Sherloc (09022015). Collection method: clinical testing. Allele origin: germline.
Comment: This sequence change replaces glycine, which is neutral and non-polar, with aspartic acid, which is acidic and polar, at codon 920 of the ALK protein (p.Gly920Asp). This variant is present in population databases (rs746643773, gnomAD 0.0009%). This variant has not been reported in the literature in individuals affected with ALK-related conditions. ClinVar contains an entry for this variant (Variation ID: 470804). An algorithm developed to predict the effect of missense changes on protein structure and function (PolyPhen-2) suggests that this variant is likely to be disruptive. In summary, the available evidence is currently insufficient to determine the role of this variant in disease. Therefore, it has been classified as a Variant of Uncertain Significance.

Fulgent Genetics
Classification: Uncertain significance for Neuroblastoma, susceptibility to, 3. Last evaluated: 2023-12-29. Review status: criteria provided, single submitter. Criteria: ACMG Guidelines, 2015. Collection method: clinical testing. Allele origin: germline.

GeneDx
Classification: Uncertain significance. Last evaluated: 2023-06-05. Review status: criteria provided, single submitter. Criteria: GeneDx Variant Classification Process June 2021. Collection method: clinical testing. Allele origin: germline. Affected: yes.
Comment: Not observed at significant frequency in large population cohorts (gnomAD); In silico analysis supports that this missense variant has a deleterious effect on protein structure/function; Has not been previously published as pathogenic or benign to our knowledge